The following is an entry in ClinVar:

NM_000465.4(BARD1):c.172A>C (p.Arg58=)

Gene: BARD1 (BRCA1 associated RING domain 1; minus strand). Cytogenetic location: 2q35.
Variant type: single nucleotide variant.
Coding change: c.172A>C on transcript NM_000465.4 (MANE Select); coding-DNA position 172, A replaced by C.
Protein change: p.Arg58=; no amino-acid change (arginine 58 retained).
Molecular consequence: synonymous variant. On other transcripts: non-coding transcript variant (2), intron variant (2).
Genome position (GRCh38, 1-based): chr2:214,797,104, T>G on the plus strand (A>C on the coding strand, the complement: BARD1 is on the minus strand). VCF-style: chr2-214797104-T-G. GRCh37 (hg19) VCF-style: chr2-215661828-T-G.
Other names: c.172A>C, p.Arg58= (NM_001282545.2, NM_001282549.2); c.158+12308A>C (NM_001282548.2); c.159-4659A>C (NM_001282543.2).
Identifiers: ClinVar variation 3378627 (VCV003378627.2).

ClinVar aggregate classification (germline): Benign/Likely benign. Review status: criteria provided, multiple submitters, no conflicts (2 of 4 stars). 2 submissions from 2 submitters: Benign (1); Likely benign (1). Last evaluated 2025-06-25.

Conditions:
Familial cancer of breast. Also called: hereditary breast carcinoma; Hereditary breast cancer; BREAST CANCER, FAMILIAL. Identifiers: Orphanet 227535, MedGen C0346153, MONDO:0016419, OMIM 114480. Disease mechanism: loss of function.

Submissions (2):

Labcorp Genetics (formerly Invitae), Labcorp
Classification: Likely benign for Familial cancer of breast. Last evaluated: 2025-06-25. Review status: criteria provided, single submitter. Criteria: Invitae Variant Classification Sherloc (09022015). Collection method: clinical testing. Allele origin: germline.

Myriad Genetics, Inc.
Classification: Benign for Familial cancer of breast. Last evaluated: 2024-07-18. Review status: criteria provided, single submitter. Criteria: Myriad Autosomal Dominant, Autosomal Recessive and X-Linked Classification Criteria (2023). Collection method: clinical testing. Allele origin: unknown.
Comment: This variant is considered benign. This variant is a silent/synonymous amino acid change and it is not expected to impact splicing.